The following is an entry in ClinVar:

ClinVar aggregate classification (germline): Uncertain significance (1 of 4 stars; one submission).

Conditions:
Hajdu-Cheney syndrome (HJCYS). Also called: Acroosteolysis dominant type; SERPENTINE FIBULA-POLYCYSTIC KIDNEY SYNDROME; ACROOSTEOLYSIS WITH OSTEOPOROSIS AND CHANGES IN SKULL AND MANDIBLE. Identifiers: Orphanet 955, MedGen C0917715, MONDO:0007057, OMIM 102500.

Allele frequency attached by ClinVar (database versions not stated): TOPMed below 0.00001.

Submission:

Labcorp Genetics (formerly Invitae), Labcorp
Classification: Uncertain significance for Hajdu-Cheney syndrome. Last evaluated: 2022-04-06. Review status: criteria provided, single submitter. Criteria: Invitae Variant Classification Sherloc (09022015). Collection method: clinical testing. Allele origin: germline.
Comment: This sequence change replaces serine, which is neutral and polar, with arginine, which is basic and polar, at codon 1165 of the NOTCH2 protein (p.Ser1165Arg). This variant is not present in population databases (gnomAD no frequency). This variant has not been reported in the literature in individuals affected with NOTCH2-related conditions. Advanced modeling of protein sequence and biophysical properties (such as structural, functional, and spatial information, amino acid conservation, physicochemical variation, residue mobility, and thermodynamic stability) performed at Invitae indicates that this missense variant is not expected to disrupt NOTCH2 protein function. In summary, the available evidence is currently insufficient to determine the role of this variant in disease. Therefore, it has been classified as a Variant of Uncertain Significance.

NM_024408.4(NOTCH2):c.3493A>C (p.Ser1165Arg)

Gene: NOTCH2 (notch receptor 2; minus strand). Cytogenetic location: 1p12.
Variant type: single nucleotide variant.
Coding change: c.3493A>C on transcript NM_024408.4 (MANE Select); coding-DNA position 3493, A replaced by C.
Protein change: p.Ser1165Arg; replaces serine 1165 with arginine.
Molecular consequence: missense variant.
Genome position (GRCh38, 1-based): chr1:119,937,311, T>G on the plus strand (A>C on the coding strand, the complement: NOTCH2 is on the minus strand). VCF-style: chr1-119937311-T-G. GRCh37 (hg19) VCF-style: chr1-120479934-T-G.
Other names: c.3493A>C, p.Ser1165Arg (NM_001200001.2); short protein forms S1165R.
Identifiers: ClinVar variation 2121967 (VCV002121967.4), dbSNP rs919983568, ClinGen allele CA30280303.